The following is an entry in ClinVar:

ClinVar aggregate classification (germline): Uncertain significance. Review status: criteria provided, multiple submitters, no conflicts (2 of 4 stars). 13 submissions from 12 submitters: Uncertain significance (11). 2 of the submissions do not count toward it. Last evaluated 2025-08-26.

Conditions:
TMC1-related disorder. Also called: TMC1-related disorders; TMC1-related condition.
Autosomal recessive nonsyndromic hearing loss 7. Also called: DEAFNESS, AUTOSOMAL RECESSIVE 11. Identifiers: Orphanet 90636, MedGen C1832978, MONDO:0010967, OMIM 600974.
Autosomal dominant nonsyndromic hearing loss 36. Identifiers: Orphanet 90635, MedGen C1847626, MONDO:0011708, OMIM 606705.

Allele frequency attached by ClinVar (database versions not stated): gnomAD exomes 0.00036 and 0.00061; ESP Exome Variant Server 0.00038; gnomAD 0.00053 and 0.00070; TOPMed 0.00057; ExAC 0.00026.
gnomAD v4.1: 986 of 1,612,910 alleles (0.061%); highest among the groups gnomAD compares: Non-Finnish European, 0.077%; 2 homozygotes.

Submissions (13):

GeneDx
Classification: Uncertain significance. Last evaluated: 2025-08-26. Review status: criteria provided, single submitter. Criteria: GeneDx Variant Classification Process June 2021. Collection method: clinical testing. Allele origin: germline. Affected: yes.
Comment: Has not been previously published as pathogenic or benign in association with a TMC1-related disorder to our knowledge; In silico analysis supports that this missense variant has a deleterious effect on protein structure/function; This variant is associated with the following publications: (PMID: 30724488)

PreventionGenetics, part of Exact Sciences
Classification: Uncertain significance for TMC1-related condition. Last evaluated: 2025-06-02. Review status: criteria provided, single submitter. Criteria: ACMG Guidelines, 2015. Collection method: clinical testing. Allele origin: germline.
Comment: The TMC1 c.2144A>T variant is predicted to result in the amino acid substitution p.Tyr715Phe. To our knowledge, this variant has not been reported in the literature. This variant is reported in 0.074% of alleles in individuals of European (Non-Finnish) descent in gnomAD. Although we suspect that this variant may be benign, at this time, the clinical significance of this variant is uncertain due to the absence of conclusive functional and genetic evidence.

CeGaT Center for Human Genetics Tuebingen
Classification: Uncertain significance. Last evaluated: 2025-03-01. Review status: criteria provided, single submitter. Criteria: CeGaT Center For Human Genetics Tuebingen Variant Classification Criteria Version 2. Collection method: clinical testing. Allele origin: germline. Affected: yes. Observed: 1 variant allele.

Labcorp Genetics (formerly Invitae), Labcorp
Classification: Uncertain significance. Last evaluated: 2024-11-25. Review status: criteria provided, single submitter. Criteria: Invitae Variant Classification Sherloc (09022015). Collection method: clinical testing. Allele origin: germline.
Comment: This sequence change replaces tyrosine, which is neutral and polar, with phenylalanine, which is neutral and non-polar, at codon 715 of the TMC1 protein (p.Tyr715Phe). This variant is present in population databases (rs41310067, gnomAD 0.07%). This variant has not been reported in the literature in individuals affected with TMC1-related conditions. ClinVar contains an entry for this variant (Variation ID: 47868). Invitae Evidence Modeling of protein sequence and biophysical properties (such as structural, functional, and spatial information, amino acid conservation, physicochemical variation, residue mobility, and thermodynamic stability) has been performed for this missense variant. However, the output from this modeling did not meet the statistical confidence thresholds required to predict the impact of this variant on TMC1 protein function. In summary, the available evidence is currently insufficient to determine the role of this variant in disease. Therefore, it has been classified as a Variant of Uncertain Significance.

Blueprint Genetics
Classification: Uncertain significance. Last evaluated: 2024-11-07. Review status: criteria provided, single submitter. Criteria: ACMG Guidelines, 2015. Collection method: clinical testing. Allele origin: germline.

Department of Pathology and Laboratory Medicine, Sinai Health System
Classification: Uncertain significance for Autosomal recessive nonsyndromic hearing loss 7; Autosomal dominant nonsyndromic hearing loss 36. Last evaluated: 2022-11-19. Review status: criteria provided, single submitter. Criteria: ACMG Guidelines, 2015. Collection method: research. Allele origin: germline.

Fulgent Genetics
Classification: Uncertain significance for Autosomal recessive nonsyndromic hearing loss 7; Autosomal dominant nonsyndromic hearing loss 36. Last evaluated: 2021-12-27. Review status: criteria provided, single submitter. Criteria: ACMG Guidelines, 2015. Collection method: clinical testing. Allele origin: unknown.

Illumina Laboratory Services, Illumina
Classification: Uncertain significance for Autosomal dominant nonsyndromic hearing loss 36. Last evaluated: 2018-01-12. Review status: criteria provided, single submitter. Criteria: ICSL Variant Classification Criteria 13 December 2019. Collection method: clinical testing. Allele origin: germline.

Illumina Laboratory Services, Illumina
Classification: Uncertain significance for Autosomal recessive nonsyndromic hearing loss 7. Last evaluated: 2018-01-12. Review status: criteria provided, single submitter. Criteria: ICSL Variant Classification Criteria 13 December 2019. Collection method: clinical testing. Allele origin: germline.

Laboratory for Molecular Medicine, Mass General Brigham Personalized Medicine
Classification: Uncertain significance. Last evaluated: 2016-12-13. Review status: criteria provided, single submitter. Criteria: LMM Criteria. Collection method: clinical testing. Allele origin: germline. Observed: 3 variant alleles.
Comment: The p.Tyr715Phe variant in TMC1 has been identified by our laboratory in the het erozygous state in 2 siblings with hearing loss in a Caucasian family. This vari ant has been identified in 31/65906 European chromosomes by the Exome Aggregatio n Consortium (ExAC; dbSNP rs41310067). Computati onal prediction tools and conservation analysis do not provide strong support fo r or against an impact to the protein. In summary, the clinical significance of the p.Tyr715Phe variant is uncertain.

Breakthrough Genomics
Classification: Uncertain significance. Review status: criteria provided, single submitter. Criteria: ACMG Guidelines, 2015. Collection method: not provided. Allele origin: germline. Inheritance: Autosomal recessive inheritance. Affected: yes.

Clinical Genetics DNA and cytogenetics Diagnostics Lab, Erasmus MC, Erasmus Medical Center
Classification: Uncertain significance. Review status: no assertion criteria provided. Collection method: clinical testing. Allele origin: germline. Affected: yes. Study: VKGL Data-share Consensus. Not counted in ClinVar's aggregate classification.

Joint Genome Diagnostic Labs from Nijmegen and Maastricht, Radboudumc and MUMC+
Classification: Uncertain significance. Review status: no assertion criteria provided. Collection method: clinical testing. Allele origin: germline. Affected: yes. Study: VKGL Data-share Consensus. Not counted in ClinVar's aggregate classification.

NM_138691.3(TMC1):c.2144A>T (p.Tyr715Phe)

Gene: TMC1 (transmembrane channel like 1; plus strand). Cytogenetic location: 9q21.13.
Variant type: single nucleotide variant.
Coding change: c.2144A>T on transcript NM_138691.3 (MANE Select); coding-DNA position 2144, A replaced by T.
Protein change: p.Tyr715Phe; replaces tyrosine 715 with phenylalanine.
Molecular consequence: missense variant.
Genome position (GRCh38, 1-based): chr9:72,830,465, A>T. VCF-style: chr9-72830465-A-T. GRCh37 (hg19) VCF-style: chr9-75445381-A-T.
Other names: short protein forms Y715F.
Identifiers: ClinVar variation 47868 (VCV000047868.29), dbSNP rs41310067, ClinGen allele CA142069.